The following is an entry in ClinVar:

ClinVar aggregate classification (germline): Uncertain significance (1 of 4 stars; one submission).

Conditions:
Gorlin syndrome. Also called: Nevoid Basal Cell Carcinoma Syndrome; Basal cell nevus syndrome. Identifiers: Orphanet 377, MedGen C0004779, MONDO:0007187.

Submission:

Labcorp Genetics (formerly Invitae), Labcorp
Classification: Uncertain significance for Gorlin syndrome. Last evaluated: 2020-05-20. Review status: criteria provided, single submitter. Criteria: Invitae Variant Classification Sherloc (09022015). Collection method: clinical testing. Allele origin: germline.
Comment: In summary, the available evidence is currently insufficient to determine the role of this variant in disease. Therefore, it has been classified as a Variant of Uncertain Significance. Algorithms developed to predict the effect of missense changes on protein structure and function are either unavailable or do not agree on the potential impact of this missense change (SIFT: "Deleterious"; PolyPhen-2: "Probably Damaging"; Align-GVGD: "Class C0"). This variant has not been reported in the literature in individuals with PTCH1-related conditions. This variant is not present in population databases (ExAC no frequency). This sequence change replaces serine with arginine at codon 1079 of the PTCH1 protein (p.Ser1079Arg). The serine residue is moderately conserved and there is a moderate physicochemical difference between serine and arginine.

NM_000264.5(PTCH1):c.3237T>A (p.Ser1079Arg)

Gene: PTCH1 (patched 1; minus strand). Cytogenetic location: 9q22.32.
Variant type: single nucleotide variant.
Coding change: c.3237T>A on transcript NM_000264.5 (MANE Select); coding-DNA position 3237, T replaced by A.
Protein change: p.Ser1079Arg; replaces serine 1079 with arginine.
Molecular consequence: missense variant. On other transcripts: non-coding transcript variant (1).
Genome position (GRCh38, 1-based): chr9:95,456,345, A>T on the plus strand (T>A on the coding strand, the complement: PTCH1 is on the minus strand). VCF-style: chr9-95456345-A-T. GRCh37 (hg19) VCF-style: chr9-98218627-A-T.
Other names: c.3039T>A, p.Ser1013Arg (NM_001083602.3); c.3234T>A, p.Ser1078Arg (NM_001083603.3); c.2784T>A, p.Ser928Arg (NM_001083604.3, NM_001083605.3, NM_001083606.3 and 1 more transcripts); c.3081T>A, p.Ser1027Arg (NM_001354918.2); short protein forms S1013R, S1027R, S1078R, S1079R, S928R.
Identifiers: ClinVar variation 1022574 (VCV001022574.9), dbSNP rs1838925156, ClinGen allele CA374112089.